The following is an entry in ClinVar:

ClinVar aggregate classification (germline): Pathogenic (1 of 4 stars; one submission).

Submission:

Labcorp Genetics (formerly Invitae), Labcorp
Classification: Pathogenic. Last evaluated: 2024-02-14. Review status: criteria provided, single submitter. Criteria: Invitae Variant Classification Sherloc (09022015). Collection method: clinical testing. Allele origin: germline.
Comment: This sequence change creates a premature translational stop signal (p.Glu80Argfs*118) in the SLC1A4 gene. It is expected to result in an absent or disrupted protein product. Loss-of-function variants in SLC1A4 are known to be pathogenic (PMID: 26041762, 27848944, 30125339). This variant is not present in population databases (gnomAD no frequency). This variant has not been reported in the literature in individuals affected with SLC1A4-related conditions. For these reasons, this variant has been classified as Pathogenic.

Literature cited by the submitters: PubMed 26041762; PubMed 27848944; PubMed 30125339.

NM_003038.5(SLC1A4):c.234_237dup (p.Glu80fs)

Gene: SLC1A4 (solute carrier family 1 member 4; plus strand). Cytogenetic location: 2p14.
Variant type: Duplication.
Coding change: c.234_237dup on transcript NM_003038.5 (MANE Select); coding-DNA positions 234 to 237, 4 bases duplicated (CGGC; older notation c.234_237dupCGGC).
Protein change: p.Glu80fs; shifts the reading frame from glutamic acid 80.
Molecular consequence: frameshift variant. On other transcripts: intron variant (3).
Genome position (GRCh38, 1-based): chr2:64,989,877-64,989,880, CGGC duplicated; duplicating any 4 consecutive bases within chr2:64,989,876-64,989,880 gives the same sequence; the c. name uses the placement nearest the transcript's 3' end. VCF-style (leftmost placement, unchanged base first): chr2-64989875-C-CCCGG. GRCh37 (hg19) VCF-style: chr2-65217009-C-CCCGG.
Other names: c.-134+1257_-134+1260dup (NM_001348406.2, NM_001193493.2); c.-134+1323_-134+1326dup (NM_001348407.2); short protein forms E80fs.
Identifiers: ClinVar variation 3640833 (VCV003640833.2).